The following is an entry in ClinVar:

ClinVar aggregate classification (germline): Uncertain significance. Review status: criteria provided, multiple submitters, no conflicts (2 of 4 stars). 2 submissions from 2 submitters: Uncertain significance (2). Last evaluated 2025-09-05.

Conditions:
Pure or complex autosomal recessive spastic paraplegia. Identifiers: Orphanet 320346, MedGen C5679887, MONDO:0017915.

Allele frequency attached by ClinVar (database versions not stated): ExAC 0.00001; gnomAD exomes 0.00002 and 0.00006; TOPMed 0.00003; gnomAD 0.00004 and 0.00005; ESP Exome Variant Server 0.00008.
gnomAD v4.1: 100 of 1,614,024 alleles (0.0062%); highest among the groups gnomAD compares: Non-Finnish European, 0.0075%; no homozygotes.

Submissions (2):

Ambry Genetics
Classification: Uncertain significance. Last evaluated: 2025-09-05. Review status: criteria provided, single submitter. Criteria: Ambry Variant Classification Scheme 2023. Collection method: clinical testing. Allele origin: germline.

Labcorp Genetics (formerly Invitae), Labcorp
Classification: Uncertain significance for Pure or complex autosomal recessive spastic paraplegia. Last evaluated: 2025-04-22. Review status: criteria provided, single submitter. Criteria: Invitae Variant Classification Sherloc (09022015). Collection method: clinical testing. Allele origin: germline.
Comment: This sequence change replaces arginine, which is basic and polar, with histidine, which is basic and polar, at codon 681 of the ZFR protein (p.Arg681His). This variant is present in population databases (rs376553457, gnomAD 0.006%). This variant has not been reported in the literature in individuals affected with ZFR-related conditions. ClinVar contains an entry for this variant (Variation ID: 647901). Experimental studies and prediction algorithms are not available or were not evaluated, and the functional significance of this variant is currently unknown. In summary, the available evidence is currently insufficient to determine the role of this variant in disease. Therefore, it has been classified as a Variant of Uncertain Significance.

NM_016107.5(ZFR):c.2042G>A (p.Arg681His)

Gene: ZFR (zinc finger RNA binding protein; minus strand). Cytogenetic location: 5p13.3.
Variant type: single nucleotide variant.
Coding change: c.2042G>A on transcript NM_016107.5 (MANE Select); coding-DNA position 2042, G replaced by A.
Protein change: p.Arg681His; replaces arginine 681 with histidine.
Molecular consequence: missense variant. On other transcripts: non-coding transcript variant (1).
Genome position (GRCh38, 1-based): chr5:32,390,375, C>T on the plus strand (G>A on the coding strand, the complement: ZFR is on the minus strand). VCF-style: chr5-32390375-C-T. GRCh37 (hg19) VCF-style: chr5-32390481-C-T.
Other names: short protein forms R681H.
Identifiers: ClinVar variation 647901 (VCV000647901.10), dbSNP rs376553457, ClinGen allele CA3221688.